The following is an entry in ClinVar:

NM_000237.3(LPL):c.1397A>C (p.His466Pro)

Gene: LPL (lipoprotein lipase; plus strand). Cytogenetic location: 8p21.3.
Variant type: single nucleotide variant.
Coding change: c.1397A>C on transcript NM_000237.3 (MANE Select); coding-DNA position 1397, A replaced by C.
Protein change: p.His466Pro; replaces histidine 466 with proline.
Molecular consequence: missense variant.
Genome position (GRCh38, 1-based): chr8:19,962,189, A>C. VCF-style: chr8-19962189-A-C. GRCh37 (hg19) VCF-style: chr8-19819700-A-C.
Other names: short protein forms H466P.
Identifiers: ClinVar variation 1196534 (VCV001196534.3), dbSNP rs2128839831, ClinGen allele CA370639099.

ClinVar aggregate classification (germline): Likely pathogenic (1 of 4 stars; one submission).

Submission:

GeneDx
Classification: Likely pathogenic. Last evaluated: 2025-12-14. Review status: criteria provided, single submitter. Criteria: GeneDx Variant Classification Process June 2021. Collection method: clinical testing. Allele origin: germline. Affected: yes.
Comment: In silico analysis suggests that this missense variant does not alter protein structure/function; Not observed at significant frequency in large population cohorts (gnomAD); Has not been previously published as pathogenic or benign to our knowledge